The following is an entry in ClinVar:

NM_006186.4(NR4A2):c.377C>A (p.Ser126Ter)

Gene: NR4A2 (nuclear receptor subfamily 4 group A member 2; minus strand). Cytogenetic location: 2q24.1.
Variant type: single nucleotide variant.
Coding change: c.377C>A on transcript NM_006186.4 (MANE Select); coding-DNA position 377, C replaced by A.
Protein change: p.Ser126Ter; replaces serine 126 with a stop codon.
Molecular consequence: nonsense.
Genome position (GRCh38, 1-based): chr2:156,329,810, G>T on the plus strand (C>A on the coding strand, the complement: NR4A2 is on the minus strand). VCF-style: chr2-156329810-G-T. GRCh37 (hg19) VCF-style: chr2-157186322-G-T.
Other names: c.188C>A, p.Ser63Ter (NM_173173.3); short protein forms S126*, S63*.
Identifiers: ClinVar variation 4291747 (VCV004291747.1).

ClinVar aggregate classification (germline): Pathogenic (1 of 4 stars; one submission).

Conditions:
Intellectual developmental disorder with language impairment and early-onset DOPA-responsive dystonia-parkinsonism (IDLDP). Identifiers: Orphanet 660017, MedGen C5677001, MONDO:0859257, OMIM 619911.

Submission:

3billion
Classification: Pathogenic for Intellectual developmental disorder with language impairment and early-onset DOPA-responsive dystonia-parkinsonism. Last evaluated: 2024-12-13. Review status: criteria provided, single submitter. Criteria: ACMG Guidelines, 2015. Collection method: clinical testing. Allele origin: germline. Affected: yes.
Comment: The variant is not observed in the gnomAD v4.1.0 dataset. Predicted Consequence/Location: Stop-gained (nonsense): predicted to result in a loss or disruption of normal protein function through nonsense-mediated decay (NMD) or protein truncation. Multiple pathogenic variants are reported downstream of the variant. Therefore, this variant is classified as Likely pathogenic according to the recommendation of ACMG/AMP guideline.